The following is an entry in ClinVar:

ClinVar aggregate classification (germline): Uncertain significance. Review status: criteria provided, multiple submitters, no conflicts (2 of 4 stars). 4 submissions from 4 submitters: Uncertain significance (4). Last evaluated 2025-05-16.

Conditions:
Inborn genetic diseases. Identifiers: MedGen C0950123, MeSH D030342.
Immunodeficiency 31B. Also called: STAT1 DEFICIENCY, AUTOSOMAL RECESSIVE; IMMUNODEFICIENCY 31B, MYCOBACTERIAL AND VIRAL INFECTIONS, AUTOSOMAL RECESSIVE. Identifiers: Orphanet 391311, MedGen C3151088, MONDO:0013427, OMIM 613796.
Autoimmune enteropathy and endocrinopathy - susceptibility to chronic infections syndrome. Also called: Immunodeficiency 31C; Immunodeficiency 31C, autosomal dominant. Identifiers: Orphanet 391487, MedGen C3279990, MONDO:0013599, OMIM 614162.
Mendelian susceptibility to mycobacterial diseases due to partial STAT1 deficiency. Also called: IMMUNODEFICIENCY 31A, MYCOBACTERIOSIS, AUTOSOMAL DOMINANT; STAT1 DEFICIENCY, AUTOSOMAL DOMINANT; Immunodeficiency 31a. Identifiers: Orphanet 319595, MedGen C4013950, MONDO:0013956, OMIM 614892.

Allele frequency attached by ClinVar (database versions not stated): gnomAD exomes 0.00001; TOPMed 0.00002.
gnomAD v4.1: 20 of 1,614,070 alleles (0.0012%); highest among the groups gnomAD compares: African/African-American, 0.025%; no homozygotes.

Submissions (4):

Labcorp Genetics (formerly Invitae), Labcorp
Classification: Uncertain significance for Mendelian susceptibility to mycobacterial diseases due to partial STAT1 deficiency; Immunodeficiency 31B; Autoimmune enteropathy and endocrinopathy - susceptibility to chronic infections syndrome. Last evaluated: 2025-05-16. Review status: criteria provided, single submitter. Criteria: Invitae Variant Classification Sherloc (09022015). Collection method: clinical testing. Allele origin: germline.
Comment: This sequence change replaces alanine, which is neutral and non-polar, with serine, which is neutral and polar, at codon 589 of the STAT1 protein (p.Ala589Ser). This variant is present in population databases (rs745491762, gnomAD 0.02%). This variant has not been reported in the literature in individuals affected with STAT1-related conditions. ClinVar contains an entry for this variant (Variation ID: 424473). An algorithm developed to predict the effect of missense changes on protein structure and function (PolyPhen-2) suggests that this variant is likely to be tolerated. In summary, the available evidence is currently insufficient to determine the role of this variant in disease. Therefore, it has been classified as a Variant of Uncertain Significance.

Ambry Genetics
Classification: Uncertain significance for Inborn genetic diseases. Last evaluated: 2024-04-17. Review status: criteria provided, single submitter. Criteria: Ambry Variant Classification Scheme 2023. Collection method: clinical testing. Allele origin: germline.

GeneDx
Classification: Uncertain significance. Last evaluated: 2019-12-05. Review status: criteria provided, single submitter. Criteria: GeneDx Variant Classification Process June 2021. Collection method: clinical testing. Allele origin: germline. Affected: yes.
Comment: In silico analysis, which includes protein predictors and evolutionary conservation, supports that this variant does not alter protein structure/function; Has not been previously published as pathogenic or benign to our knowledge

Geisinger Autism and Developmental Medicine Institute, Geisinger Health System
Classification: Uncertain significance for Mendelian susceptibility to mycobacterial diseases due to partial STAT1 deficiency; Immunodeficiency 31B; Autoimmune enteropathy and endocrinopathy - susceptibility to chronic infections syndrome. Last evaluated: 2018-02-20. Review status: criteria provided, single submitter. Criteria: ACMG Guidelines, 2015. Collection method: provider interpretation, clinical testing. Allele origin: unknown. Observed: 1 variant allele.
Comment: Genetic testing to date, including exome sequencing, has not yielded a diagnosis. The p.Ala589Ser variant in STAT1 is present in the gnomAD African population at a frequency of 0.025%. Computational prediction models are inconsistent. Subsequent clinical testing showed normal neutrophil function studies and quantitative immunoglobulins.

NM_007315.4(STAT1):c.1765G>T (p.Ala589Ser)

Gene: STAT1 (signal transducer and activator of transcription 1; minus strand). Cytogenetic location: 2q32.2.
Variant type: single nucleotide variant.
Coding change: c.1765G>T on transcript NM_007315.4 (MANE Select); coding-DNA position 1765, G replaced by T.
Protein change: p.Ala589Ser; replaces alanine 589 with serine.
Molecular consequence: missense variant.
Genome position (GRCh38, 1-based): chr2:190,978,964, C>A on the plus strand (G>T on the coding strand, the complement: STAT1 is on the minus strand). VCF-style: chr2-190978964-C-A. GRCh37 (hg19) VCF-style: chr2-191843690-C-A.
Other names: c.1705G>T, p.Ala569Ser (NM_001384880.1); c.1771G>T, p.Ala591Ser (NM_001384881.1, NM_001384884.1); c.1759G>T, p.Ala587Ser (NM_001384882.1); c.1666G>T, p.Ala556Ser (NM_001384883.1); c.1606G>T, p.Ala536Ser (NM_001384885.1); c.1765G>T, p.Ala589Ser (NM_001384886.1, NM_001384889.1, NM_139266.3); c.1672G>T, p.Ala558Ser (NM_001384887.1); c.1735G>T, p.Ala579Ser (NM_001384888.1); and 2 more; short protein forms A589S, A536S, A556S, A558S, A559S, A569S, A579S, A587S.
Identifiers: ClinVar variation 424473 (VCV000424473.15), dbSNP rs745491762, ClinGen allele CA2029812.
Genomic context (GRCh38, chr2:190,978,964, plus strand): 5'-CCCGGGAGCTCTCACTGAACCGCAGCAGGAAGGTCCCCGGCTGCTGGTCCTTCAACAGGG[C>A]ACGCTCTCGCTCCTTGCTGATGAAGCCCATGATGCACCTGGATATCGAAGAGATGGACGG-3'
Protein context (NP_009330.1, residues 579-599): MGFISKERER[Ala589Ser]LLKDQQPGTF